The following is an entry in ClinVar:

ClinVar aggregate classification (germline): Likely benign. Review status: criteria provided, multiple submitters, no conflicts (2 of 4 stars). 5 submissions from 5 submitters: Likely benign (4). 1 of the submissions does not count toward it. Last evaluated 2026-09-01.

Conditions:
MDH2-related disorder. Also called: MDH2-related condition.
Inborn genetic diseases. Identifiers: MedGen C0950123, MeSH D030342.

Allele frequency attached by ClinVar (database versions not stated): gnomAD 0.00016 and 0.00018; TOPMed 0.00017; ExAC 0.00020; gnomAD exomes 0.00022 and 0.00030; ESP Exome Variant Server 0.00031.
gnomAD v4.1: 456 of 1,613,390 alleles (0.028%); highest among the groups gnomAD compares: Non-Finnish European, 0.036%; no homozygotes.

Submissions (5):

CeGaT Center for Human Genetics Tuebingen
Classification: Likely benign. Last evaluated: 2026-09-01. Review status: criteria provided, single submitter. Criteria: CeGaT Center For Human Genetics Tuebingen Variant Classification Criteria Version 2. Collection method: clinical testing. Allele origin: germline. Affected: yes. Observed: 5 variant alleles.
Comment: MDH2: BP4, BP7

Labcorp Genetics (formerly Invitae), Labcorp
Classification: Likely benign. Last evaluated: 2025-12-21. Review status: criteria provided, single submitter. Criteria: Invitae Variant Classification Sherloc (09022015). Collection method: clinical testing. Allele origin: germline.

Blueprint Genetics
Classification: Likely benign. Last evaluated: 2024-11-11. Review status: criteria provided, single submitter. Criteria: ACMG Guidelines, 2015. Collection method: clinical testing. Allele origin: germline.

Ambry Genetics
Classification: Likely benign for Inborn genetic diseases. Last evaluated: 2022-02-12. Review status: criteria provided, single submitter. Criteria: Ambry Variant Classification Scheme 2023. Collection method: clinical testing. Allele origin: germline.

PreventionGenetics, part of Exact Sciences
Classification: Likely benign for MDH2-related condition. Last evaluated: 2019-04-18. Review status: no assertion criteria provided. Collection method: clinical testing. Allele origin: germline. Not counted in ClinVar's aggregate classification.
Comment: This variant is classified as likely benign based on ACMG/AMP sequence variant interpretation guidelines (Richards et al. 2015 PMID: 25741868, with internal and published modifications).

NM_005918.4(MDH2):c.699C>T (p.Ala233=)

Gene: MDH2 (malate dehydrogenase 2; plus strand). Cytogenetic location: 7q11.23.
Variant type: single nucleotide variant.
Coding change: c.699C>T on transcript NM_005918.4 (MANE Select); coding-DNA position 699, C replaced by T.
Protein change: p.Ala233=; no amino-acid change (alanine 233 retained).
Molecular consequence: synonymous variant.
Genome position (GRCh38, 1-based): chr7:76,064,404, C>T. VCF-style: chr7-76064404-C-T. GRCh37 (hg19) VCF-style: chr7-75693722-C-T.
Other names: c.573C>T, p.Ala191= (NM_001282403.2); c.378C>T, p.Ala126= (NM_001282404.2); c.699C>T (NM_005918.3).
Identifiers: ClinVar variation 1558750 (VCV001558750.35), dbSNP rs149443188, ClinGen allele CA4305656.